The following is an entry in ClinVar:

NM_020549.5(CHAT):c.844C>T (p.Leu282Phe)

Gene: CHAT (choline O-acetyltransferase; plus strand). Cytogenetic location: 10q11.23.
Variant type: single nucleotide variant.
Coding change: c.844C>T on transcript NM_020549.5 (MANE Select); coding-DNA position 844, C replaced by T.
Protein change: p.Leu282Phe; replaces leucine 282 with phenylalanine.
Molecular consequence: missense variant.
Genome position (GRCh38, 1-based): chr10:49,625,564, C>T. VCF-style: chr10-49625564-C-T. GRCh37 (hg19) VCF-style: chr10-50833610-C-T.
Other names: c.490C>T, p.Leu164Phe (NM_001142929.2, NM_001142934.2, NM_020984.4 and 2 more transcripts); c.598C>T, p.Leu200Phe (NM_001142933.2); short protein forms L200F, L164F, L282F.
Identifiers: ClinVar variation 2139437 (VCV002139437.4), dbSNP rs1390587206, ClinGen allele CA376730074.

ClinVar aggregate classification (germline): Uncertain significance (1 of 4 stars; one submission).

Conditions:
Familial infantile myasthenia (CMS6). Also called: MYASTHENIC SYNDROME, PRESYNAPTIC, CONGENITAL, ASSOCIATED WITH EPISODIC APNEA; MYASTHENIC SYNDROME, CONGENITAL, 6, PRESYNAPTIC; Congenital myasthenic syndrome type 6. Identifiers: Orphanet 590, MedGen C0393929, MONDO:0009689, OMIM 254210.

Submission:

Labcorp Genetics (formerly Invitae), Labcorp
Classification: Uncertain significance for Familial infantile myasthenia. Last evaluated: 2022-07-07. Review status: criteria provided, single submitter. Criteria: Invitae Variant Classification Sherloc (09022015). Collection method: clinical testing. Allele origin: germline.
Comment: In summary, the available evidence is currently insufficient to determine the role of this variant in disease. Therefore, it has been classified as a Variant of Uncertain Significance. Advanced modeling of protein sequence and biophysical properties (such as structural, functional, and spatial information, amino acid conservation, physicochemical variation, residue mobility, and thermodynamic stability) performed at Invitae indicates that this missense variant is not expected to disrupt CHAT protein function. This variant has not been reported in the literature in individuals affected with CHAT-related conditions. This variant is present in population databases (no rsID available, gnomAD 0.0009%). This sequence change replaces leucine, which is neutral and non-polar, with phenylalanine, which is neutral and non-polar, at codon 282 of the CHAT protein (p.Leu282Phe).